The following is an entry in ClinVar:

ClinVar aggregate classification (germline): Uncertain significance (1 of 4 stars; one submission).

Conditions:
Inborn genetic diseases. Identifiers: MedGen C0950123, MeSH D030342.

Submission:

Ambry Genetics
Classification: Uncertain significance for Inborn genetic diseases. Last evaluated: 2025-01-28. Review status: criteria provided, single submitter. Criteria: Ambry Variant Classification Scheme 2023. Collection method: clinical testing. Allele origin: germline.
Comment: The p.F991C variant (also known as c.2972T>G), located in coding exon 30 of the FANCA gene, results from a T to G substitution at nucleotide position 2972. The phenylalanine at codon 991 is replaced by cysteine, an amino acid with highly dissimilar properties. This amino acid position is conserved. In addition, the in silico prediction for this alteration is inconclusive. Based on the available evidence, the clinical significance of this variant remains unclear.

NM_000135.4(FANCA):c.2972T>G (p.Phe991Cys)

Gene: FANCA (FA complementation group A; minus strand). Cytogenetic location: 16q24.3.
Variant type: single nucleotide variant.
Coding change: c.2972T>G on transcript NM_000135.4 (MANE Select); coding-DNA position 2972, T replaced by G.
Protein change: p.Phe991Cys; replaces phenylalanine 991 with cysteine.
Molecular consequence: missense variant.
Genome position (GRCh38, 1-based): chr16:89,758,586, A>C on the plus strand (T>G on the coding strand, the complement: FANCA is on the minus strand). VCF-style: chr16-89758586-A-C. GRCh37 (hg19) VCF-style: chr16-89824994-A-C.
Other names: c.2972T>G, p.Phe991Cys (NM_001286167.3); short protein forms F991C.
Identifiers: ClinVar variation 3848155 (VCV003848155.1).